The following is an entry in ClinVar:

ClinVar aggregate classification (germline): Uncertain significance. Review status: criteria provided, multiple submitters, no conflicts (2 of 4 stars). 2 submissions from 2 submitters: Uncertain significance (2). Last evaluated 2024-09-20.

Allele frequency attached by ClinVar (database versions not stated): gnomAD exomes below 0.00001; ExAC 0.00001; gnomAD 0.00003; TOPMed 0.00005.
gnomAD v4.1: 9 of 1,591,696 alleles (0.00057%); highest among the groups gnomAD compares: African/African-American, 0.011%; no homozygotes.

Submissions (2):

GeneDx
Classification: Uncertain significance. Last evaluated: 2024-09-20. Review status: criteria provided, single submitter. Criteria: GeneDx Variant Classification Process June 2021. Collection method: clinical testing. Allele origin: germline. Affected: yes.
Comment: Has not been previously published as pathogenic or benign to our knowledge; In silico analysis supports that this missense variant has a deleterious effect on protein structure/function; Variants in candidate genes are classified as variants of uncertain significance in accordance with ACMG guidelines (PMID: 25741868)

Labcorp Genetics (formerly Invitae), Labcorp
Classification: Uncertain significance. Last evaluated: 2021-12-25. Review status: criteria provided, single submitter. Criteria: Invitae Variant Classification Sherloc (09022015). Collection method: clinical testing. Allele origin: germline.
Comment: In summary, the available evidence is currently insufficient to determine the role of this variant in disease. Therefore, it has been classified as a Variant of Uncertain Significance. This sequence change replaces glycine, which is neutral and non-polar, with arginine, which is basic and polar, at codon 346 of the CHUK protein (p.Gly346Arg). This variant is present in population databases (rs775436091, gnomAD 0.01%). This variant has not been reported in the literature in individuals affected with CHUK-related conditions. Algorithms developed to predict the effect of missense changes on protein structure and function are either unavailable or do not agree on the potential impact of this missense change (SIFT: "Not Available"; PolyPhen-2: "Benign"; Align-GVGD: "Not Available").

NM_001278.5(CHUK):c.1036G>A (p.Gly346Arg)

Gene: CHUK (component of inhibitor of nuclear factor kappa B kinase complex; minus strand). Cytogenetic location: 10q24.31.
Variant type: single nucleotide variant.
Coding change: c.1036G>A on transcript NM_001278.5 (MANE Select); coding-DNA position 1036, G replaced by A.
Protein change: p.Gly346Arg; replaces glycine 346 with arginine.
Molecular consequence: missense variant.
Genome position (GRCh38, 1-based): chr10:100,209,687, C>T on the plus strand (G>A on the coding strand, the complement: CHUK is on the minus strand). VCF-style: chr10-100209687-C-T. GRCh37 (hg19) VCF-style: chr10-101969444-C-T.
Other names: c.1036G>A, p.Gly346Arg (NM_001320928.2); c.1036G>A (NM_001278.3); short protein forms G346R.
Identifiers: ClinVar variation 1940863 (VCV001940863.5), dbSNP rs775436091, ClinGen allele CA5646532.